The following is an entry in ClinVar:

ClinVar aggregate classification (germline): Conflicting classifications of pathogenicity. Review status: criteria provided, conflicting classifications (1 of 4 stars). 4 submissions from 4 submitters: Uncertain significance (1); Benign (1); Likely benign (2). Last evaluated 2025-09-21.

Conditions:
FLNB-Related Spectrum Disorders.

Allele frequency attached by ClinVar (database versions not stated): gnomAD exomes 0.00031; 1000 Genomes Project 0.00040; ExAC 0.00043; 1000 Genomes Project 30x 0.00047.
gnomAD v4.1: 270 of 1,614,208 alleles (0.017%); highest among the groups gnomAD compares: South Asian, 0.27%; 4 homozygotes.

Submissions (4):

Labcorp Genetics (formerly Invitae), Labcorp
Classification: Benign. Last evaluated: 2025-09-21. Review status: criteria provided, single submitter. Criteria: Invitae Variant Classification Sherloc (09022015). Collection method: clinical testing. Allele origin: germline.

CeGaT Center for Human Genetics Tuebingen
Classification: Likely benign. Last evaluated: 2022-07-01. Review status: criteria provided, single submitter. Criteria: CeGaT Center For Human Genetics Tuebingen Variant Classification Criteria Version 2. Collection method: clinical testing. Allele origin: germline. Affected: yes. Observed: 1 variant allele.
Comment: FLNB: BP4, BP7

Illumina Laboratory Services, Illumina
Classification: Likely benign for FLNB-Related Spectrum Disorders. Last evaluated: 2018-01-13. Review status: criteria provided, single submitter. Criteria: ICSL Variant Classification Criteria 13 December 2019. Collection method: clinical testing. Allele origin: germline.
Comment: This variant was observed in the ICSL laboratory as part of a predisposition screen in an ostensibly healthy population. It had not been previously curated by ICSL or reported in the Human Gene Mutation Database (HGMD: prior to June 1st, 2018), and was therefore a candidate for classification through an automated scoring system. Utilizing variant allele frequency, disease prevalence and penetrance estimates, and inheritance mode, an automated score was calculated to assess if this variant is too frequent to cause the disease. Based on the score and internal cut-off values, a variant classified as likely benign is not then subjected to further curation. The score for this variant resulted in a classification of likely benign for this disease.

Eurofins Ntd Llc (ga)
Classification: Uncertain significance. Last evaluated: 2014-12-12. Review status: criteria provided, single submitter. Criteria: EGL Classification Definitions 2015. Collection method: clinical testing. Allele origin: germline. Observed: 1 variant allele, 1 heterozygote.

NM_001457.4(FLNB):c.7254C>T (p.Ser2418=)

Genes: FLNB-AS1 (FLNB antisense RNA 1; minus strand), FLNB (filamin B; plus strand). Cytogenetic location: 3p14.3.
Variant type: single nucleotide variant.
Coding change: c.7254C>T on transcript NM_001457.4 (MANE Select); coding-DNA position 7254, C replaced by T.
Protein change: p.Ser2418=; no amino-acid change (serine 2418 retained).
Molecular consequence: synonymous variant.
Genome position (GRCh38, 1-based): chr3:58,168,495, C>T. VCF-style: chr3-58168495-C-T. GRCh37 (hg19) VCF-style: chr3-58154222-C-T.
Other names: c.7347C>T, p.Ser2449= (NM_001164317.2); c.7221C>T, p.Ser2407= (NM_001164318.2); c.7182C>T, p.Ser2394= (NM_001164319.2).
Identifiers: ClinVar variation 197500 (VCV000197500.41), dbSNP rs563382903, ClinGen allele CA245688.